The following is an entry in ClinVar:

NM_000283.4(PDE6B):c.1722+5G>A

Gene: PDE6B (phosphodiesterase 6B; plus strand). Cytogenetic location: 4p16.3.
Variant type: single nucleotide variant.
Coding change: c.1722+5G>A on transcript NM_000283.4 (MANE Select); 5 bases into the intron after coding-DNA position 1722, G replaced by A.
Molecular consequence: intron variant.
Genome position (GRCh38, 1-based): chr4:662,246, G>A. VCF-style: chr4-662246-G-A. GRCh37 (hg19) VCF-style: chr4-656035-G-A.
Other names: c.1722+5G>A (NM_000283.3, NM_001145291.2); c.885+5G>A (NM_001379246.1, NM_001379247.1, NM_001145292.2 and 1 more transcripts); c.567+5G>A (NM_001350155.3).
Identifiers: ClinVar variation 1100474 (VCV001100474.16), dbSNP rs73058408, ClinGen allele CA2794644.
Genomic context (GRCh38, chr4:662,246, plus strand): 5'-ACCACAACTGGCGCCACGGCTTCAACGTGGCCCAGACGATGTTCACGCTGCTCATGGTAC[G>A]TGGCTGCCAGAATCACCAGGGTTGTGCAGGCCCTCCTGGTACCAAGGGCAGCACTCAAGC-3'

ClinVar aggregate classification (germline): Conflicting classifications of pathogenicity. Review status: criteria provided, conflicting classifications (1 of 4 stars). 4 submissions from 4 submitters: Uncertain significance (1); Likely benign (3). Last evaluated 2026-01-01.

Conditions:
PDE6B-related disorder. Also called: PDE6B-related disease; PDE6B-related condition; PDE6B-related disorders.

Allele frequency attached by ClinVar (database versions not stated): gnomAD exomes 0.00025 and 0.00027; 1000 Genomes Project 0.00060; 1000 Genomes Project 30x 0.00062; gnomAD 0.00064 and 0.00067; ExAC 0.00073; TOPMed 0.00073; ESP Exome Variant Server 0.00116.

Submissions (6):

CeGaT Center for Human Genetics Tuebingen
Classification: Likely benign. Last evaluated: 2026-01-01. Review status: criteria provided, single submitter. Criteria: CeGaT Center For Human Genetics Tuebingen Variant Classification Criteria Version 2. Collection method: clinical testing. Allele origin: germline. Affected: yes. Observed: 1 variant allele.
Comment: PDE6B: BP4

Labcorp Genetics (formerly Invitae), Labcorp
Classification: Likely benign. Last evaluated: 2025-12-11. Review status: criteria provided, single submitter. Criteria: Invitae Variant Classification Sherloc (09022015). Collection method: clinical testing. Allele origin: germline.

PreventionGenetics, part of Exact Sciences
Classification: Likely benign for PDE6B-related condition. Last evaluated: 2025-11-05. Review status: criteria provided, single submitter. Criteria: ACMG Guidelines, 2015. Collection method: clinical testing. Allele origin: germline.
Comment: This variant is classified as likely benign based on ACMG/AMP sequence variant interpretation guidelines (Richards et al. 2015 PMID: 25741868, with internal and published modifications).

Blueprint Genetics
Classification: Uncertain significance. Last evaluated: 2022-12-22. Review status: criteria provided, single submitter. Criteria: ACMG Guidelines, 2015. Collection method: clinical testing. Allele origin: germline.

Dr. Peter K. Rogan Lab, Western University
No classification provided (evidence only). Condition: Uterine corpus endometrial carcinoma. Review status: no classification provided. Collection method: in vitro. Allele origin: not applicable. Functional consequence: retained intron. Not counted in ClinVar's aggregate classification.

Dr. Peter K. Rogan Lab, Western University
No classification provided (evidence only). Condition: Uterine carcinosarcoma. Review status: no classification provided. Collection method: in vitro. Allele origin: not applicable. Functional consequence: retained intron. Not counted in ClinVar's aggregate classification.